The following is an entry in ClinVar:

ClinVar aggregate classification (germline): Uncertain significance (1 of 4 stars; one submission).

Conditions:
Autosomal recessive severe congenital neutropenia due to G6PC3 deficiency. Also called: NEUTROPENIA, SEVERE CONGENITAL, 4, AUTOSOMAL RECESSIVE; G6PC3 Deficiency. Identifiers: Orphanet 331176, MedGen C2751630, MONDO:0012930, OMIM 612541.

Allele frequency attached by ClinVar (database versions not stated): gnomAD exomes below 0.00001.

Submission:

Labcorp Genetics (formerly Invitae), Labcorp
Classification: Uncertain significance for Autosomal recessive severe congenital neutropenia due to G6PC3 deficiency. Last evaluated: 2021-08-31. Review status: criteria provided, single submitter. Criteria: Invitae Variant Classification Sherloc (09022015). Collection method: clinical testing. Allele origin: germline.
Comment: This sequence change replaces arginine with tryptophan at codon 246 of the G6PC3 protein (p.Arg246Trp). The arginine residue is moderately conserved and there is a moderate physicochemical difference between arginine and tryptophan. This variant is not present in population databases (ExAC no frequency). This variant has not been reported in the literature in individuals affected with G6PC3-related conditions. Algorithms developed to predict the effect of missense changes on protein structure and function are either unavailable or do not agree on the potential impact of this missense change (SIFT: "Deleterious"; PolyPhen-2: "Probably Damaging"; Align-GVGD: "Class C0"). In summary, the available evidence is currently insufficient to determine the role of this variant in disease. Therefore, it has been classified as a Variant of Uncertain Significance.

NM_138387.4(G6PC3):c.736C>T (p.Arg246Trp)

Gene: G6PC3 (glucose-6-phosphatase catalytic subunit 3; plus strand). Cytogenetic location: 17q21.31.
Variant type: single nucleotide variant.
Coding change: c.736C>T on transcript NM_138387.4 (MANE Select); coding-DNA position 736, C replaced by T.
Protein change: p.Arg246Trp; replaces arginine 246 with tryptophan.
Molecular consequence: missense variant. On other transcripts: 3 prime UTR variant (1).
Genome position (GRCh38, 1-based): chr17:44,075,738, C>T. VCF-style: chr17-44075738-C-T. GRCh37 (hg19) VCF-style: chr17-42153106-C-T.
Other names: c.*29C>T (NM_001319945.2); c.391C>T, p.Arg131Trp (NM_001384165.1, NM_001384166.1, NM_001384167.1 and 1 more transcripts); short protein forms R246W, R131W.
Identifiers: ClinVar variation 1472871 (VCV001472871.5), dbSNP rs1198102696, ClinGen allele CA399729221.
Genomic context (GRCh38, chr17:44,075,738, plus strand): 5'-AGGTCCATCAGCCTAGCCTTCAAGTGGTGTGAGCGGCCTGAGTGGATACACGTGGATAGC[C>T]GGCCCTTTGCCTCCCTGAGCCGTGACTCAGGGGCTGCCCTGGGCCTGGGCATTGCCTTGC-3'
Protein context (NP_612396.1, residues 236-256): ERPEWIHVDS[Arg246Trp]PFASLSRDSG